The following is an entry in ClinVar:

ClinVar aggregate classification (germline): Pathogenic (1 of 4 stars; one submission).

Submission:

Labcorp Genetics (formerly Invitae), Labcorp
Classification: Pathogenic. Last evaluated: 2023-07-21. Review status: criteria provided, single submitter. Criteria: Invitae Variant Classification Sherloc (09022015). Collection method: clinical testing. Allele origin: germline.
Comment: For these reasons, this variant has been classified as Pathogenic. Algorithms developed to predict the effect of sequence changes on RNA splicing suggest that this variant may create or strengthen a splice site. ClinVar contains an entry for this variant (Variation ID: 1486862). This variant has not been reported in the literature in individuals affected with IMPDH1-related conditions. The frequency data for this variant in the population databases is considered unreliable, as metrics indicate poor data quality at this position in the gnomAD database. This sequence change creates a premature translational stop signal (p.Gly536Aspfs*11) in the IMPDH1 gene. It is expected to result in an absent or disrupted protein product. Loss-of-function variants in IMPDH1 are known to be pathogenic (PMID: 14981049, 33090715).

Literature cited by the submitters: PubMed 14981049; PubMed 33090715.

NM_000883.4(IMPDH1):c.1605del (p.Gly536fs)

Gene: IMPDH1 (inosine monophosphate dehydrogenase 1; minus strand). Cytogenetic location: 7q32.1.
Variant type: Deletion.
Coding change: c.1605del on transcript NM_000883.4 (MANE Select); coding-DNA position 1605, one base deleted (A; older notation c.1605delA).
Protein change: p.Gly536fs; shifts the reading frame from glycine 536.
Molecular consequence: frameshift variant.
Genome position (GRCh38, 1-based): chr7:128,394,545, T deleted on the plus strand (A on the coding strand, the reverse complement: IMPDH1 is on the minus strand); the first of 3 consecutive T bases (chr7:128,394,545-128,394,547); deleting any one gives the same sequence. VCF-style (leftmost placement, unchanged base first): chr7-128394544-CT-C. GRCh37 (hg19) VCF-style: chr7-128034598-CT-C.
Other names: c.1575del, p.Gly526fs (NM_001102605.2); c.1350del, p.Gly451fs (NM_001142573.2); c.1335del, p.Gly446fs (NM_001142574.2); c.1275del, p.Gly426fs (NM_001142575.2); c.1506del, p.Gly503fs (NM_001142576.2); c.1398del, p.Gly467fs (NM_001304521.2); c.1497del, p.Gly500fs (NM_183243.3); short protein forms G467fs, G500fs, G426fs, G446fs, G451fs, G503fs, G526fs, G536fs.
Identifiers: ClinVar variation 1486862 (VCV001486862.4), dbSNP rs1391527038, ClinGen allele CA578149174.
Genomic context (GRCh38, chr7:128,394,544, plus strand): 5'-TATCCTGGCAGCCGTGTTGGATGCCTGCTATGAGGTAGGGCACGAACTTCTGAATGGATC[CT>C]TTGTCCTGGATGGAGCCCGAGACACCCTGCGCGATCTTCACTTTATCCCCCTCGCTGCGT-3'